The following is an entry in ClinVar:

NM_001384732.1(CPLANE1):c.4055T>C (p.Ile1352Thr)

Gene: CPLANE1 (ciliogenesis and planar polarity effector complex subunit 1; minus strand). Cytogenetic location: 5p13.2.
Variant type: single nucleotide variant.
Coding change: c.4055T>C on transcript NM_001384732.1 (MANE Select); coding-DNA position 4055, T replaced by C.
Protein change: p.Ile1352Thr; replaces isoleucine 1352 with threonine.
Molecular consequence: missense variant.
Genome position (GRCh38, 1-based): chr5:37,187,439, A>G on the plus strand (T>C on the coding strand, the complement: CPLANE1 is on the minus strand). VCF-style: chr5-37187439-A-G. GRCh37 (hg19) VCF-style: chr5-37187541-A-G.
Other names: c.4055T>C, p.Ile1352Thr (NM_023073.4); short protein forms I1352T.
Identifiers: ClinVar variation 1439519 (VCV001439519.6), dbSNP rs759005825, ClinGen allele CA3238804.
Genomic context (GRCh38, chr5:37,187,439, plus strand): 5'-CTGATGTAGTTTACTTTCACCTACAAGCACATTACCTTTCTGATTGGTGGCAGTTCTCCA[A>G]TAAGGCTCAAAATTATATCCTGAATAAGTTCTTCCATATTAAAAAACCGAGAGAAAGGCA-3'
Protein context (NP_001371661.1, residues 1342-1362): ELIQDIILSL[Ile1352Thr]GELPPIRKVA

ClinVar aggregate classification (germline): Uncertain significance. Review status: criteria provided, multiple submitters, no conflicts (2 of 4 stars). 2 submissions from 2 submitters: Uncertain significance (2). Last evaluated 2022-04-21.

Conditions:
Orofaciodigital syndrome type 6 (OFD6). Also called: Oral-facial-digital syndrome type 6; Central polydactyly cleft lip/palate or lingual lump and psychomotor retardation; Y-shaped central metacarpal and cerebellar defect; Joubert syndrome with orofacialdigital anomalies; OROFACIODIGITAL SYNDROME VI; OFDS VI. Identifiers: Orphanet 2754, MedGen C2745997, MONDO:0010176, OMIM 277170.
Joubert syndrome 17 (JBTS17). Identifiers: Orphanet 475, MedGen C3553264, MONDO:0013824, OMIM 614615.

Allele frequency attached by ClinVar (database versions not stated): TOPMed 0.00002; gnomAD 0.00003; gnomAD exomes 0.00003 and 0.00004; ExAC 0.00005.
gnomAD v4.1: 44 of 1,612,760 alleles (0.0027%); highest among the groups gnomAD compares: South Asian, 0.032%; no homozygotes.

Submissions (2):

Fulgent Genetics
Classification: Uncertain significance for Orofaciodigital syndrome type 6; Joubert syndrome 17. Last evaluated: 2022-04-21. Review status: criteria provided, single submitter. Criteria: ACMG Guidelines, 2015. Collection method: clinical testing. Allele origin: unknown.

Labcorp Genetics (formerly Invitae), Labcorp
Classification: Uncertain significance. Last evaluated: 2021-09-01. Review status: criteria provided, single submitter. Criteria: Invitae Variant Classification Sherloc (09022015). Collection method: clinical testing. Allele origin: germline.
Comment: This sequence change replaces isoleucine with threonine at codon 1352 of the CPLANE1 protein (p.Ile1352Thr). The isoleucine residue is weakly conserved and there is a moderate physicochemical difference between isoleucine and threonine. This variant is present in population databases (rs759005825, ExAC 0.02%). This variant has not been reported in the literature in individuals affected with CPLANE1-related conditions. Algorithms developed to predict the effect of missense changes on protein structure and function are either unavailable or do not agree on the potential impact of this missense change (SIFT: "Deleterious"; PolyPhen-2: "Possibly Damaging"; Align-GVGD: "Class C0"). In summary, the available evidence is currently insufficient to determine the role of this variant in disease. Therefore, it has been classified as a Variant of Uncertain Significance.